The following is an entry in ClinVar:

NM_000548.5(TSC2):c.1820C>A (p.Ala607Glu)

Gene: TSC2 (TSC complex subunit 2; plus strand). Cytogenetic location: 16p13.3.
Variant type: single nucleotide variant.
Coding change: c.1820C>A on transcript NM_000548.5 (MANE Select); coding-DNA position 1820, C replaced by A.
Protein change: p.Ala607Glu; replaces alanine 607 with glutamic acid.
Molecular consequence: missense variant.
Genome position (GRCh38, 1-based): chr16:2,070,559, C>A. VCF-style: chr16-2070559-C-A. GRCh37 (hg19) VCF-style: chr16-2120560-C-A.
Other names: c.1820C>A, p.Ala607Glu (NM_001077183.3, NM_001114382.3, NM_001363528.2 and 3 more transcripts); c.1709C>A, p.Ala570Glu (NM_001318827.2); c.1673C>A, p.Ala558Glu (NM_001318829.2); c.1220C>A, p.Ala407Glu (NM_001318831.2); c.1853C>A, p.Ala618Glu (NM_001318832.2); short protein forms A607E, A407E, A558E, A618E, A570E.
Identifiers: ClinVar variation 64879 (VCV000064879.7), dbSNP rs397515296, ClinGen allele CA015874.

ClinVar aggregate classification (germline): Uncertain significance. Review status: criteria provided, single submitter (1 of 4 stars). 2 submissions from 2 submitters: Uncertain significance (1). 1 of the submissions does not count toward it. Last evaluated 2018-05-23.

Conditions:
Tuberous sclerosis syndrome (TSC). Also called: Tuberous Sclerosis Complex; Tuberous sclerosis. Identifiers: Orphanet 805, MedGen C0041341, MONDO:0001734.
Tuberous sclerosis 2 (TSC2). Identifiers: Orphanet 805, MedGen C1860707, MONDO:0013199, OMIM 613254.

Submissions (2):

Labcorp Genetics (formerly Invitae), Labcorp
Classification: Uncertain significance for Tuberous sclerosis 2. Last evaluated: 2018-05-23. Review status: criteria provided, single submitter. Criteria: Invitae Variant Classification Sherloc (09022015). Collection method: clinical testing. Allele origin: germline.
Comment: In summary, the available evidence is currently insufficient to determine the role of this variant in disease. Therefore, it has been classified as a Variant of Uncertain Significance. Experimental studies have shown that this missense change disrupts the ability of the TSC1–TSC2 complex to inhibit mTOR activity (PMID: 18854862, 21309039). This sequence change replaces alanine with glutamic acid at codon 607 of the TSC2 protein (p.Ala607Glu). The alanine residue is highly conserved and there is a moderate physicochemical difference between alanine and glutamic acid. This variant is not present in population databases (ExAC no frequency). This variant has been reported in an individual in the Leiden Open-source Variation Database (PMID: 21520333). ClinVar contains an entry for this variant (Variation ID: 64879).

Tuberous sclerosis database (TSC2)
No classification provided. Condition: TSC. Review status: no classification provided. Criteria: Tuberous Sclerosis Database Assertion Criteria 2015. Collection method: curation. Allele origin: germline. Affected: yes. Not counted in ClinVar's aggregate classification.

Literature cited by the submitters: PubMed 18854862 (cited by Labcorp Genetics (formerly Invitae), Labcorp); PubMed 21309039 (cited by Labcorp Genetics (formerly Invitae), Labcorp); PubMed 21520333 (cited by Labcorp Genetics (formerly Invitae), Labcorp).